The following is an entry in ClinVar:

NM_000384.3(APOB):c.12577C>G (p.Leu4193Val)

Gene: APOB (apolipoprotein B; minus strand). Cytogenetic location: 2p24.1.
Variant type: single nucleotide variant.
Coding change: c.12577C>G on transcript NM_000384.3 (MANE Select); coding-DNA position 12577, C replaced by G.
Protein change: p.Leu4193Val; replaces leucine 4193 with valine.
Molecular consequence: missense variant.
Genome position (GRCh38, 1-based): chr2:21,002,845, G>C on the plus strand (C>G on the coding strand, the complement: APOB is on the minus strand). VCF-style: chr2-21002845-G-C. GRCh37 (hg19) VCF-style: chr2-21225717-G-C.
Other names: short protein forms L4193V.
Identifiers: ClinVar variation 4829677 (VCV004829677.1).

ClinVar aggregate classification (germline): Uncertain significance (1 of 4 stars; one submission).

Conditions:
Cardiovascular phenotype. Identifiers: MedGen CN230736.

Submission:

Ambry Genetics
Classification: Uncertain significance for Cardiovascular phenotype. Last evaluated: 2026-03-09. Review status: criteria provided, single submitter. Criteria: Ambry Variant Classification Scheme 2023. Collection method: clinical testing. Allele origin: germline.
Comment: The p.L4193V variant (also known as c.12577C>G), located in coding exon 29 of the APOB gene, results from a C to G substitution at nucleotide position 12577. The leucine at codon 4193 is replaced by valine, an amino acid with highly similar properties. This amino acid position is conserved. In addition, this alteration is predicted to be tolerated by in silico analysis. Based on the available evidence, the clinical significance of this variant remains unclear.